The following is an entry in ClinVar:

NM_001127511.3(APC):c.-175G>A

Gene: APC (APC regulator of Wnt signaling pathway; plus strand). Cytogenetic location: 5q22.2.
Variant type: single nucleotide variant.
Coding change: c.-175G>A on transcript NM_001127511.3; 175 bases upstream of the start codon, G replaced by A.
Molecular consequence: 5 prime UTR variant. On other transcripts: non-coding transcript variant (2).
Genome position (GRCh38, 1-based): chr5:112,707,543, G>A. VCF-style: chr5-112707543-G-A. GRCh37 (hg19) VCF-style: chr5-112043240-G-A.
Other names: c.-358G>A (NM_001354895.2, NM_001407447.1, NM_001407452.1 and 3 more transcripts); c.-175G>A (NM_001354897.2, NM_001354902.2, NM_001407446.1); c.-125G>A (NM_001407448.1, NM_001407450.1, NM_001407457.1 and 1 more transcripts); c.-149G>A (NM_001407453.1); c.-1393G>A (NM_001407470.1, NM_001407472.1).
Identifiers: ClinVar variation 2999716 (VCV002999716.3), dbSNP rs1334013498, ClinGen allele CA2674863510.

ClinVar aggregate classification (germline): Uncertain significance (1 of 4 stars; one submission).

Conditions:
Familial adenomatous polyposis 1 (FAP1). Also called: FAMILIAL ADENOMATOUS POLYPOSIS 1, ATTENUATED; POLYPOSIS, ADENOMATOUS INTESTINAL. Identifiers: MedGen C2713442, MONDO:0021056, OMIM 175100. Disease mechanism: loss of function.

Allele frequency attached by ClinVar (database versions not stated): gnomAD exomes 0.00001.
gnomAD v4.1: 2 of 533,226 alleles (0.00038%); highest among the groups gnomAD compares: South Asian, 0.0038%; no homozygotes.

Submission:

Labcorp Genetics (formerly Invitae), Labcorp
Classification: Uncertain significance for Familial adenomatous polyposis 1. Last evaluated: 2023-08-28. Review status: criteria provided, single submitter. Criteria: Invitae Variant Classification Sherloc (09022015). Collection method: clinical testing. Allele origin: germline.
Comment: This variant has not been reported in the literature in individuals affected with APC-related conditions. In summary, the available evidence is currently insufficient to determine the role of this variant in disease. Therefore, it has been classified as a Variant of Uncertain Significance. Experimental studies and prediction algorithms are not available or were not evaluated, and the functional significance of this variant is currently unknown. This variant is not present in population databases (gnomAD no frequency). This variant occurs in a non-coding region of the APC gene. It does not change the encoded amino acid sequence of the APC protein.